The following is an entry in ClinVar:

ClinVar aggregate classification (germline): Uncertain significance (1 of 4 stars; one submission).

Submission:

Ambry Genetics
Classification: Uncertain significance. Last evaluated: 2025-10-13. Review status: criteria provided, single submitter. Criteria: Ambry Variant Classification Scheme 2023. Collection method: clinical testing. Allele origin: germline.
Comment: The p.P495L variant (also known as c.1484C>T), located in coding exon 15 of the KIF1B gene, results from a C to T substitution at nucleotide position 1484. The proline at codon 495 is replaced by leucine, an amino acid with similar properties. This amino acid position is conserved. In addition, this alteration is predicted to be deleterious by in silico analysis. Based on the available evidence, the clinical significance of this variant remains unclear.

NM_001365951.3(KIF1B):c.1622C>T (p.Pro541Leu)

Gene: KIF1B (kinesin family member 1B; plus strand). Cytogenetic location: 1p36.22.
Variant type: single nucleotide variant.
Coding change: c.1622C>T on transcript NM_001365951.3 (MANE Select); coding-DNA position 1622, C replaced by T.
Protein change: p.Pro541Leu; replaces proline 541 with leucine.
Molecular consequence: missense variant.
Genome position (GRCh38, 1-based): chr1:10,295,117, C>T. VCF-style: chr1-10295117-C-T. GRCh37 (hg19) VCF-style: chr1-10355175-C-T.
Other names: c.1622C>T, p.Pro541Leu (NM_001365952.1); c.1484C>T, p.Pro495Leu (NM_001365953.1, NM_015074.3, NM_183416.4); short protein forms P495L, P541L.
Identifiers: ClinVar variation 4543604 (VCV004543604.1).